The following is an entry in ClinVar:

ClinVar aggregate classification (germline): Uncertain significance (1 of 4 stars; one submission).

Submission:

CeGaT Center for Human Genetics Tuebingen
Classification: Uncertain significance. Last evaluated: 2026-08-01. Review status: criteria provided, single submitter. Criteria: CeGaT Center For Human Genetics Tuebingen Variant Classification Criteria Version 2. Collection method: clinical testing. Allele origin: germline. Affected: yes. Observed: 1 variant allele.
Comment: COL6A3: PM2, BP4

NM_004369.4(COL6A3):c.7579A>G (p.Arg2527Gly)

Gene: COL6A3 (collagen type VI alpha 3 chain; minus strand). Cytogenetic location: 2q37.3.
Variant type: single nucleotide variant.
Coding change: c.7579A>G on transcript NM_004369.4 (MANE Select); coding-DNA position 7579, A replaced by G.
Protein change: p.Arg2527Gly; replaces arginine 2527 with glycine.
Molecular consequence: missense variant.
Genome position (GRCh38, 1-based): chr2:237,344,439, T>C on the plus strand (A>G on the coding strand, the complement: COL6A3 is on the minus strand). VCF-style: chr2-237344439-T-C. GRCh37 (hg19) VCF-style: chr2-238253082-T-C.
Other names: c.5758A>G, p.Arg1920Gly (NM_057166.5); c.6961A>G, p.Arg2321Gly (NM_057167.4); short protein forms R1920G, R2321G, R2527G.
Identifiers: ClinVar variation 5040580 (VCV005040580.1).
Genomic context (GRCh38, chr2:237,344,439, plus strand): 5'-CCTGCCTTGTAAGGAACAAGGGGGTGATCCCCGCATCTGAGAGCTTGAGCACAGCCTCTC[T>C]GAGCTGTGGGGATGCTCTTGTGGGTGTGTTGCTGAAGAAAACAGCCACTTTCCTCATTAG-3'
Protein context (NP_004360.2, residues 2517-2537): NTPTRASPQL[Arg2527Gly]EAVLKLSDAG